The following is an entry in ClinVar:

ClinVar aggregate classification (germline): Uncertain significance (1 of 4 stars; one submission).

Conditions:
Brown-Vialetto-van Laere syndrome 2. Also called: Riboflavin transporter deficiency type 2; SPINOCEREBELLAR ATAXIA WITH BLINDNESS AND DEAFNESS 2. Identifiers: Orphanet 572543, Orphanet 97229, MedGen C3553538, MONDO:0013867, OMIM 614707.

Allele frequency attached by ClinVar (database versions not stated): gnomAD exomes below 0.00001.

Submission:

Labcorp Genetics (formerly Invitae), Labcorp
Classification: Uncertain significance for Brown-Vialetto-van Laere syndrome 2. Last evaluated: 2021-05-25. Review status: criteria provided, single submitter. Criteria: Invitae Variant Classification Sherloc (09022015). Collection method: clinical testing. Allele origin: germline.
Comment: In summary, the available evidence is currently insufficient to determine the role of this variant in disease. Therefore, it has been classified as a Variant of Uncertain Significance. Algorithms developed to predict the effect of sequence changes on RNA splicing suggest that this variant may create or strengthen a splice site, but this prediction has not been confirmed by published transcriptional studies. Advanced modeling of protein sequence and biophysical properties (such as structural, functional, and spatial information, amino acid conservation, physicochemical variation, residue mobility, and thermodynamic stability) performed at Invitae indicates that this missense variant is expected to disrupt SLC52A2 protein function. This variant has not been reported in the literature in individuals with SLC52A2-related conditions. This variant is not present in population databases (ExAC no frequency). This sequence change replaces leucine with glutamine at codon 15 of the SLC52A2 protein (p.Leu15Gln). The leucine residue is highly conserved and there is a moderate physicochemical difference between leucine and glutamine.

NM_001363118.2(SLC52A2):c.44T>A (p.Leu15Gln)

Gene: SLC52A2 (solute carrier family 52 member 2; plus strand). Cytogenetic location: 8q24.3.
Variant type: single nucleotide variant.
Coding change: c.44T>A on transcript NM_001363118.2 (MANE Select); coding-DNA position 44, T replaced by A.
Protein change: p.Leu15Gln; replaces leucine 15 with glutamine.
Molecular consequence: missense variant.
Genome position (GRCh38, 1-based): chr8:144,359,337, T>A. VCF-style: chr8-144359337-T-A. GRCh37 (hg19) VCF-style: chr8-145582997-T-A.
Other names: c.44T>A, p.Leu15Gln (NM_001253815.2, NM_001253816.2, NM_001363120.2 and 3 more transcripts); short protein forms L15Q.
Identifiers: ClinVar variation 1498296 (VCV001498296.8), dbSNP rs2130634152, ClinGen allele CA372625628.